The following is an entry in ClinVar:

ClinVar aggregate classification (germline): Conflicting classifications of pathogenicity. Review status: criteria provided, conflicting classifications (1 of 4 stars). 5 submissions from 5 submitters: Uncertain significance (4); Likely benign (1). Last evaluated 2026-01-09.

Conditions:
Orofaciodigital syndrome type 6 (OFD6). Also called: OROFACIODIGITAL SYNDROME VI; OFDS VI; POLYDACTYLY, CLEFT LIP/PALATE OR LINGUAL LUMP, AND PSYCHOMOTOR RETARDATION; VARADI SYNDROME; VARADI-PAPP SYNDROME; Oral-facial-digital syndrome type 6. Identifiers: Orphanet 2754, MedGen C2745997, MONDO:0010176, OMIM 277170.
Joubert syndrome 17 (JBTS17). Identifiers: Orphanet 475, MedGen C3553264, MONDO:0013824, OMIM 614615.
Inborn genetic diseases. Identifiers: MedGen C0950123, MeSH D030342.

Allele frequency attached by ClinVar (database versions not stated): gnomAD exomes 0.00002 and 0.00006; ExAC 0.00010; 1000 Genomes Project 0.00020; gnomAD 0.00025 and 0.00029; 1000 Genomes Project 30x 0.00031; TOPMed 0.00039; ESP Exome Variant Server 0.00062.

Submissions (5):

Labcorp Genetics (formerly Invitae), Labcorp
Classification: Likely benign. Last evaluated: 2026-01-09. Review status: criteria provided, single submitter. Criteria: Invitae Variant Classification Sherloc (09022015). Collection method: clinical testing. Allele origin: germline.

Fulgent Genetics
Classification: Uncertain significance for Orofaciodigital syndrome type 6; Joubert syndrome 17. Last evaluated: 2024-05-11. Review status: criteria provided, single submitter. Criteria: ACMG Guidelines, 2015. Collection method: clinical testing. Allele origin: germline.

Blueprint Genetics
Classification: Uncertain significance. Last evaluated: 2023-05-23. Review status: criteria provided, single submitter. Criteria: ACMG Guidelines, 2015. Collection method: clinical testing. Allele origin: germline.

GeneDx
Classification: Uncertain significance. Last evaluated: 2023-01-30. Review status: criteria provided, single submitter. Criteria: GeneDx Variant Classification Process June 2021. Collection method: clinical testing. Allele origin: germline. Affected: yes.
Comment: In silico analysis supports that this missense variant does not alter protein structure/function; Has not been previously published as pathogenic or benign to our knowledge

Ambry Genetics
Classification: Uncertain significance for Inborn genetic diseases. Last evaluated: 2020-10-29. Review status: criteria provided, single submitter. Criteria: Ambry Variant Classification Scheme 2023. Collection method: clinical testing. Allele origin: germline.
Comment: The c.5447G>A (p.C1816Y) alteration is located in exon 27 (coding exon 26) of the C5orf42 gene. This alteration results from a G to A substitution at nucleotide position 5447, causing the cysteine (C) at amino acid position 1816 to be replaced by a tyrosine (Y). Based on data from the Genome Aggregation Database (gnomAD) database, the C5orf42 c.5447G>A alteration was observed in 0.01% (26/282708) of total alleles studied, with a frequency of 0.1% (25/24968) in the African subpopulation. This amino acid position is not conserved in available vertebrate species. The p.C1816Y alteration is predicted to be tolerated by in silico analysis. Based on insufficient or conflicting evidence, the clinical significance of this alteration remains unclear.

NM_001384732.1(CPLANE1):c.5447G>A (p.Cys1816Tyr)

Gene: CPLANE1 (ciliogenesis and planar polarity effector complex subunit 1; minus strand). Cytogenetic location: 5p13.2.
Variant type: single nucleotide variant.
Coding change: c.5447G>A on transcript NM_001384732.1 (MANE Select); coding-DNA position 5447, G replaced by A.
Protein change: p.Cys1816Tyr; replaces cysteine 1816 with tyrosine.
Molecular consequence: missense variant.
Genome position (GRCh38, 1-based): chr5:37,180,980, C>T on the plus strand (G>A on the coding strand, the complement: CPLANE1 is on the minus strand). VCF-style: chr5-37180980-C-T. GRCh37 (hg19) VCF-style: chr5-37181082-C-T.
Other names: c.5447G>A, p.Cys1816Tyr (NM_023073.4); short protein forms C1816Y.
Identifiers: ClinVar variation 1128785 (VCV001128785.16), dbSNP rs138639220, ClinGen allele CA3238535.